The following is an entry in ClinVar:

ClinVar aggregate classification (germline): Benign (1 of 4 stars; one submission).

Allele frequency attached by ClinVar (database versions not stated): gnomAD 0.03330 and 0.03548; TOPMed 0.03689; 1000 Genomes Project 0.04253; 1000 Genomes Project 30x 0.04310.
gnomAD v4.1: 5,021 of 152,134 alleles (3.3%); highest among the groups gnomAD compares: African/African-American, 11%; 286 homozygotes.

Submission:

GeneDx
Classification: Benign. Last evaluated: 2018-06-16. Review status: criteria provided, single submitter. Criteria: GeneDx Variant Classification (06012015). Collection method: clinical testing. Allele origin: germline. Affected: yes.
Comment: This variant is considered likely benign or benign based on one or more of the following criteria: it is a conservative change, it occurs at a poorly conserved position in the protein, it is predicted to be benign by multiple in silico algorithms, and/or has population frequency not consistent with disease.

NM_022114.4(PRDM16):c.438+308C>G

Gene: PRDM16 (PR/SET domain 16; plus strand). Cytogenetic location: 1p36.32.
Variant type: single nucleotide variant.
Coding change: c.438+308C>G on transcript NM_022114.4 (MANE Select); 308 bases into the intron after coding-DNA position 438, C replaced by G.
Molecular consequence: intron variant.
Genome position (GRCh38, 1-based): chr1:3,244,445, C>G. VCF-style: chr1-3244445-C-G. GRCh37 (hg19) VCF-style: chr1-3161009-C-G.
Other names: c.438+308C>G (NM_199454.3).
Identifiers: ClinVar variation 671491 (VCV000671491.1), dbSNP rs80129380, ClinGen allele CA10918079.